The following is an entry in ClinVar:

ClinVar aggregate classification (germline): Uncertain significance (1 of 4 stars; one submission).

Submission:

GeneDx
Classification: Uncertain significance. Last evaluated: 2023-12-07. Review status: criteria provided, single submitter. Criteria: GeneDx Variant Classification Process June 2021. Collection method: clinical testing. Allele origin: germline. Affected: yes.
Comment: Not observed at significant frequency in large population cohorts (gnomAD); In-frame deletion of 4 amino acids and insertion of 1 amino acid in a non-repeat region; In silico analysis supports a deleterious effect on protein structure/function; Has not been previously published as pathogenic or benign to our knowledge

NM_173500.4(TTBK2):c.2398_2409delinsTTT (p.Ile800_Ser803delinsPhe)

Gene: TTBK2 (tau tubulin kinase 2; minus strand). Cytogenetic location: 15q15.2.
Variant type: Indel.
Coding change: c.2398_2409delinsTTT on transcript NM_173500.4 (MANE Select); coding-DNA positions 2398 to 2409, ATTGAGATCTCC replaced by TTT.
Protein change: p.Ile800_Ser803delinsPhe.
Molecular consequence: inframe indel.
Genome position (GRCh38, 1-based): chr15:42,752,837-42,752,848, GGAGATCTCAAT replaced by AAA on the plus strand (ATTGAGATCTCC replaced by TTT on the coding strand, the reverse complement: TTBK2 is on the minus strand). VCF-style: chr15-42752837-GGAGATCTCAAT-AAA. GRCh37 (hg19) VCF-style: chr15-43045035-GGAGATCTCAAT-AAA.
Other names: c.2398_2409delATTGAGATCTCCinsTTT, p.Ile800_Ser803delinsPhe (NM_173500.3).
Identifiers: ClinVar variation 3365085 (VCV003365085.1).
Genomic context (GRCh38, chr15:42,752,837, plus strand): 5'-AAGAGGTTCAGTAGTAGCTGAGTGATCCTTTTCCACAATTACCAAATCTCCTGGGAGAGA[GGAGATCTCAAT>AAA]ACAATGCTGCCCTCTACTTAACTTCTCATCTTCATTATCTGACTCTAAAAGGATGCTTTT-3'